The following is an entry in ClinVar:

ClinVar aggregate classification (germline): Uncertain significance (1 of 4 stars; one submission).

Submission:

GeneDx
Classification: Uncertain significance. Last evaluated: 2024-07-29. Review status: criteria provided, single submitter. Criteria: GeneDx Variant Classification Process June 2021. Collection method: clinical testing. Allele origin: germline. Affected: yes.
Comment: Has not been previously published as pathogenic or benign to our knowledge; Not observed at significant frequency in large population cohorts (gnomAD); In silico analysis supports that this missense variant has a deleterious effect on protein structure/function

NM_003098.3(SNTA1):c.232C>T (p.Pro78Ser)

Gene: SNTA1 (syntrophin alpha 1; minus strand). Cytogenetic location: 20q11.21.
Variant type: single nucleotide variant.
Coding change: c.232C>T on transcript NM_003098.3 (MANE Select); coding-DNA position 232, C replaced by T.
Protein change: p.Pro78Ser; replaces proline 78 with serine.
Molecular consequence: missense variant.
Genome position (GRCh38, 1-based): chr20:33,443,389, G>A on the plus strand (C>T on the coding strand, the complement: SNTA1 is on the minus strand). VCF-style: chr20-33443389-G-A. GRCh37 (hg19) VCF-style: chr20-32031195-G-A.
Other names: c.232C>T, p.Pro78Ser (NM_001424413.1, NM_001424414.1); short protein forms P78S.
Identifiers: ClinVar variation 3602265 (VCV003602265.1).
Genomic context (GRCh38, chr20:33,443,389, plus strand): 5'-GCCCACCGGCGTCGGCCTTGCGCACCGTCACGCGGCGCCGCTGGAGCAGTAGCGCCTCTG[G>A]CAGCTGCGGGGGCCCGGCGCCCGGCTCCGCGGCGCCGTTGAGCTGCGCGGGCTCCTGCTC-3'
Protein context (NP_003089.1, residues 68-88): AEPGAGPPQL[Pro78Ser]EALLLQRRRV